The following is an entry in ClinVar:

NM_001394062.1(MACF1):c.13655G>A (p.Arg4552Gln)

Gene: MACF1 (microtubule actin crosslinking factor 1; plus strand). Cytogenetic location: 1p34.3.
Variant type: single nucleotide variant.
Coding change: c.13655G>A on transcript NM_001394062.1 (MANE Select); coding-DNA position 13655, G replaced by A.
Protein change: p.Arg4552Gln; replaces arginine 4552 with glutamine.
Molecular consequence: missense variant.
Genome position (GRCh38, 1-based): chr1:39,381,959, G>A. VCF-style: chr1-39381959-G-A. GRCh37 (hg19) VCF-style: chr1-39847631-G-A.
Other names: c.7469G>A, p.Arg2490Gln (NM_012090.5); short protein forms R2490Q, R4552Q.
Identifiers: ClinVar variation 4764309 (VCV004764309.1).

ClinVar aggregate classification (germline): Uncertain significance (1 of 4 stars; one submission).

gnomAD v4.1: 16 of 1,612,748 alleles (0.00099%); highest among the groups gnomAD compares: South Asian, 0.0033%; no homozygotes.

Submission:

Labcorp Genetics (formerly Invitae), Labcorp
Classification: Uncertain significance. Last evaluated: 2025-12-13. Review status: criteria provided, single submitter. Criteria: Invitae Variant Classification Sherloc (09022015). Collection method: clinical testing. Allele origin: germline.
Comment: This sequence change replaces arginine, which is basic and polar, with glutamine, which is neutral and polar, at codon 2490 of the MACF1 protein (p.Arg2490Gln). This variant is present in population databases (rs765485621, gnomAD 0.003%). This variant has not been reported in the literature in individuals affected with MACF1-related conditions. An algorithm developed to predict the effect of missense changes on protein structure and function outputs the following: PolyPhen-2: "Possibly Damaging". The glutamine amino acid residue is found in multiple mammalian species, which suggests that this missense change does not adversely affect protein function. In summary, the available evidence is currently insufficient to determine the role of this variant in disease. Therefore, it has been classified as a Variant of Uncertain Significance.